The following is an entry in ClinVar:

NM_001572.5(IRF7):c.1001C>T (p.Pro334Leu)

Gene: IRF7 (interferon regulatory factor 7; minus strand). Cytogenetic location: 11p15.5.
Variant type: single nucleotide variant.
Coding change: c.1001C>T on transcript NM_001572.5 (MANE Select); coding-DNA position 1001, C replaced by T.
Protein change: p.Pro334Leu; replaces proline 334 with leucine.
Molecular consequence: missense variant.
Genome position (GRCh38, 1-based): chr11:613,442, G>A on the plus strand (C>T on the coding strand, the complement: IRF7 is on the minus strand). VCF-style: chr11-613442-G-A. GRCh37 (hg19) VCF-style: chr11-613442-G-A.
Other names: c.914C>T, p.Pro305Leu (NM_004029.4); c.1040C>T, p.Pro347Leu (NM_004031.4); short protein forms P305L, P334L, P347L.
Identifiers: ClinVar variation 1018722 (VCV001018722.9), dbSNP rs777340532, ClinGen allele CA378979196.

ClinVar aggregate classification (germline): Uncertain significance. Review status: criteria provided, multiple submitters, no conflicts (2 of 4 stars). 2 submissions from 2 submitters: Uncertain significance (2). Last evaluated 2022-02-04.

Conditions:
Immunodeficiency 39 (IMD39). Identifiers: Orphanet 574918, MedGen C4225358, MONDO:0014597, OMIM 616345.

Allele frequency attached by ClinVar (database versions not stated): gnomAD exomes below 0.00001; gnomAD 0.00002; TOPMed 0.00004.
gnomAD v4.1: 7 of 1,556,068 alleles (0.00045%); highest among the groups gnomAD compares: African/African-American, 0.0096%; no homozygotes.

Submissions (2):

Labcorp Genetics (formerly Invitae), Labcorp
Classification: Uncertain significance for Immunodeficiency 39. Last evaluated: 2022-02-04. Review status: criteria provided, single submitter. Criteria: Invitae Variant Classification Sherloc (09022015). Collection method: clinical testing. Allele origin: germline.
Comment: In summary, the available evidence is currently insufficient to determine the role of this variant in disease. Therefore, it has been classified as a Variant of Uncertain Significance. Algorithms developed to predict the effect of missense changes on protein structure and function (SIFT, PolyPhen-2, Align-GVGD) all suggest that this variant is likely to be disruptive. ClinVar contains an entry for this variant (Variation ID: 1018722). This variant has not been reported in the literature in individuals affected with IRF7-related conditions. This variant is not present in population databases (gnomAD no frequency). This sequence change replaces proline, which is neutral and non-polar, with leucine, which is neutral and non-polar, at codon 347 of the IRF7 protein (p.Pro347Leu).

Breakthrough Genomics
Classification: Uncertain significance. Review status: criteria provided, single submitter. Criteria: ACMG Guidelines, 2015. Collection method: not provided. Allele origin: germline. Inheritance: Autosomal recessive inheritance. Affected: yes.